The following is an entry in ClinVar:

NM_182961.4(SYNE1):c.20067+201T>G

Gene: SYNE1 (spectrin repeat containing nuclear envelope protein 1; minus strand). Cytogenetic location: 6q25.2.
Variant type: single nucleotide variant.
Coding change: c.20067+201T>G on transcript NM_182961.4 (MANE Select); 201 bases into the intron after coding-DNA position 20067, T replaced by G.
Molecular consequence: intron variant.
Genome position (GRCh38, 1-based): chr6:152,239,332, A>C on the plus strand (T>G on the coding strand, the complement: SYNE1 is on the minus strand). VCF-style: chr6-152239332-A-C. GRCh37 (hg19) VCF-style: chr6-152560467-A-C.
Other names: c.19854+201T>G (NM_033071.5).
Identifiers: ClinVar variation 680150 (VCV000680150.1), dbSNP rs115239120, ClinGen allele CA150194862.
Genomic context (GRCh38, chr6:152,239,332, plus strand): 5'-CAAATATCTTCATGCATAGTCTGAAGTCAGTGTGTATCTATCTTACTTTCGACATGGCAC[A>C]GCAGATAGCCCAATGTACACAGAAAACACAGGGGGAATAAGCAACACAGAACCATAGGAA-3'

ClinVar aggregate classification (germline): Likely benign (1 of 4 stars; one submission).

Allele frequency attached by ClinVar (database versions not stated): TOPMed 0.00461; gnomAD 0.00468 and 0.00501; 1000 Genomes Project 0.00619; 1000 Genomes Project 30x 0.00625.
gnomAD v4.1: 710 of 152,324 alleles (0.47%); highest among the groups gnomAD compares: African/African-American, 1.6%; 9 homozygotes.

Submission:

GeneDx
Classification: Likely benign. Last evaluated: 2018-06-16. Review status: criteria provided, single submitter. Criteria: GeneDx Variant Classification (06012015). Collection method: clinical testing. Allele origin: germline. Affected: yes.
Comment: This variant is considered likely benign or benign based on one or more of the following criteria: it is a conservative change, it occurs at a poorly conserved position in the protein, it is predicted to be benign by multiple in silico algorithms, and/or has population frequency not consistent with disease.